The following is an entry in ClinVar:

NM_198503.5(KCNT2):c.2822C>A (p.Ala941Asp)

Gene: KCNT2 (potassium sodium-activated channel subfamily T member 2; minus strand). Cytogenetic location: 1q31.3.
Variant type: single nucleotide variant.
Coding change: c.2822C>A on transcript NM_198503.5 (MANE Select); coding-DNA position 2822, C replaced by A.
Protein change: p.Ala941Asp; replaces alanine 941 with aspartic acid.
Molecular consequence: missense variant. On other transcripts: non-coding transcript variant (2).
Genome position (GRCh38, 1-based): chr1:196,280,948, G>T on the plus strand (C>A on the coding strand, the complement: KCNT2 is on the minus strand). VCF-style: chr1-196280948-G-T. GRCh37 (hg19) VCF-style: chr1-196250078-G-T.
Other names: c.2750C>A, p.Ala917Asp (NM_001287819.3); c.2600C>A, p.Ala867Asp (NM_001287820.3); short protein forms A867D, A917D, A941D.
Identifiers: ClinVar variation 3026761 (VCV003026761.22), dbSNP rs2527981965, ClinGen allele CA343974069.
Genomic context (GRCh38, chr1:196,280,948, plus strand): 5'-GTCCTGTAGATTCCAATGGGAACATCTCCAGTAGAAGAACACAACTTCTGATAAAGTCTG[G>T]CATAAGTTCTGATCCATAAGTCATCTGCAGTGATTTTCATCTATAACACACACAAATTAT-3'
Protein context (NP_940905.2, residues 931-951): TADDLWIRTY[Ala941Asp]RLYQKLCSST

ClinVar aggregate classification (germline): Uncertain significance (1 of 4 stars; one submission).

Submission:

CeGaT Center for Human Genetics Tuebingen
Classification: Uncertain significance. Last evaluated: 2023-12-01. Review status: criteria provided, single submitter. Criteria: CeGaT Center For Human Genetics Tuebingen Variant Classification Criteria Version 2. Collection method: clinical testing. Allele origin: germline. Affected: yes. Observed: 1 variant allele.
Comment: KCNT2: PM2